The following is an entry in ClinVar:

ClinVar aggregate classification (germline): Pathogenic (1 of 4 stars; one submission).

Submission:

GeneDx
Classification: Pathogenic. Last evaluated: 2025-06-16. Review status: criteria provided, single submitter. Criteria: GeneDx Variant Classification Process June 2021. Collection method: clinical testing. Allele origin: germline. Affected: yes.
Comment: Nonsense variant predicted to result in protein truncation or nonsense mediated decay in a gene for which loss of function is a known mechanism of disease; Not observed at significant frequency in large population cohorts (gnomAD); This variant is associated with the following publications: (PMID: 34946966)

NM_018136.5(ASPM):c.8646T>A (p.Tyr2882Ter)

Gene: ASPM (assembly factor for spindle microtubules; minus strand). Cytogenetic location: 1q31.3.
Variant type: single nucleotide variant.
Coding change: c.8646T>A on transcript NM_018136.5 (MANE Select); coding-DNA position 8646, T replaced by A.
Protein change: p.Tyr2882Ter; replaces tyrosine 2882 with a stop codon.
Molecular consequence: nonsense. On other transcripts: intron variant (1).
Genome position (GRCh38, 1-based): chr1:197,100,605, A>T on the plus strand (T>A on the coding strand, the complement: ASPM is on the minus strand). VCF-style: chr1-197100605-A-T. GRCh37 (hg19) VCF-style: chr1-197069735-A-T.
Other names: c.4066-4441T>A (NM_001206846.2); short protein forms Y2882*.
Identifiers: ClinVar variation 4538621 (VCV004538621.1).